The following is an entry in ClinVar:

ClinVar aggregate classification (germline): Likely benign. Review status: criteria provided, single submitter (1 of 4 stars). 2 submissions from 2 submitters: Likely benign (1). 1 of the submissions does not count toward it. Last evaluated 2025-12-03.

Conditions:
ODAD3-related disorder. Also called: ODAD3-related condition.
Primary ciliary dyskinesia 30. Also called: CILIARY DYSKINESIA, PRIMARY, 30, WITH OR WITHOUT SITUS INVERSUS. Identifiers: Orphanet 244, MedGen C4015016, MONDO:0014465, OMIM 616037.

Allele frequency attached by ClinVar (database versions not stated): ExAC 0.00004; gnomAD exomes 0.00004; gnomAD 0.00009 and 0.00011; TOPMed 0.00015; ESP Exome Variant Server 0.00016.
gnomAD v4.1: 51 of 1,609,864 alleles (0.0032%); highest among the groups gnomAD compares: Middle Eastern, 0.066%; 1 homozygote.

Submissions (2):

Labcorp Genetics (formerly Invitae), Labcorp
Classification: Likely benign for Primary ciliary dyskinesia 30. Last evaluated: 2025-12-03. Review status: criteria provided, single submitter. Criteria: Invitae Variant Classification Sherloc (09022015). Collection method: clinical testing. Allele origin: germline.

PreventionGenetics, part of Exact Sciences
Classification: Likely benign for ODAD3-related condition. Last evaluated: 2019-07-12. Review status: no assertion criteria provided. Collection method: clinical testing. Allele origin: germline. Not counted in ClinVar's aggregate classification.
Comment: This variant is classified as likely benign based on ACMG/AMP sequence variant interpretation guidelines (Richards et al. 2015 PMID: 25741868, with internal and published modifications).

NM_145045.5(ODAD3):c.612+8C>T

Gene: ODAD3 (outer dynein arm docking complex subunit 3; minus strand). Cytogenetic location: 19p13.2.
Variant type: single nucleotide variant.
Coding change: c.612+8C>T on transcript NM_145045.5 (MANE Select); 8 bases into the intron after coding-DNA position 612, C replaced by T.
Molecular consequence: intron variant.
Genome position (GRCh38, 1-based): chr19:11,426,865, G>A on the plus strand (C>T on the coding strand, the complement: ODAD3 is on the minus strand). VCF-style: chr19-11426865-G-A. GRCh37 (hg19) VCF-style: chr19-11537685-G-A.
Other names: c.612+8C>T (NM_145045.4); c.450+8C>T (NM_001302453.1); c.534+8C>T (NM_001302454.2).
Identifiers: ClinVar variation 1682781 (VCV001682781.8), dbSNP rs368905235, ClinGen allele CA9212348.